The following is an entry in ClinVar:

NM_000264.5(PTCH1):c.1940G>C (p.Ser647Thr)

Genes: PTCH1 (patched 1; minus strand), LOC100507346 (uncharacterized LOC100507346; plus strand). Cytogenetic location: 9q22.32.
Variant type: single nucleotide variant.
Coding change: c.1940G>C on transcript NM_000264.5 (MANE Select); coding-DNA position 1940, G replaced by C.
Protein change: p.Ser647Thr; replaces serine 647 with threonine.
Molecular consequence: missense variant. On other transcripts: non-coding transcript variant (2).
Genome position (GRCh38, 1-based): chr9:95,469,061, C>G on the plus strand (G>C on the coding strand, the complement: PTCH1 is on the minus strand). VCF-style: chr9-95469061-C-G. GRCh37 (hg19) VCF-style: chr9-98231343-C-G.
Other names: c.1742G>C, p.Ser581Thr (NM_001083602.3); c.1937G>C, p.Ser646Thr (NM_001083603.3); c.1487G>C, p.Ser496Thr (NM_001083604.3, NM_001083605.3, NM_001083606.3 and 1 more transcripts); c.1784G>C, p.Ser595Thr (NM_001354918.2); short protein forms S496T, S647T, S595T, S581T, S646T.
Identifiers: ClinVar variation 1783049 (VCV001783049.3), dbSNP rs2118052247, ClinGen allele CA374116002.

ClinVar aggregate classification (germline): Uncertain significance (1 of 4 stars; one submission).

Conditions:
Hereditary cancer-predisposing syndrome. Also called: Neoplastic Syndromes, Hereditary; Tumor predisposition; Hereditary Cancer Syndrome; Hereditary neoplastic syndrome. Identifiers: Orphanet 140162, MedGen C0027672, MeSH D009386, MONDO:0015356.

Submission:

Ambry Genetics
Classification: Uncertain significance for Hereditary cancer-predisposing syndrome. Last evaluated: 2025-08-11. Review status: criteria provided, single submitter. Criteria: Ambry Variant Classification Scheme 2023. Collection method: clinical testing. Allele origin: germline.
Comment: The p.S647T variant (also known as c.1940G>C), located in coding exon 14 of the PTCH1 gene, results from a G to C substitution at nucleotide position 1940. The serine at codon 647 is replaced by threonine, an amino acid with similar properties. This amino acid position is highly conserved in available vertebrate species. In addition, the in silico prediction for this alteration is inconclusive. Since supporting evidence is limited at this time, the clinical significance of this alteration remains unclear.